The following is an entry in ClinVar:

NM_001363118.2(SLC52A2):c.955G>A (p.Ala319Thr)

Gene: SLC52A2 (solute carrier family 52 member 2; plus strand). Cytogenetic location: 8q24.3.
Variant type: single nucleotide variant.
Coding change: c.955G>A on transcript NM_001363118.2 (MANE Select); coding-DNA position 955, G replaced by A.
Protein change: p.Ala319Thr; replaces alanine 319 with threonine.
Molecular consequence: missense variant. On other transcripts: non-coding transcript variant (1).
Genome position (GRCh38, 1-based): chr8:144,360,447, G>A. VCF-style: chr8-144360447-G-A. GRCh37 (hg19) VCF-style: chr8-145584107-G-A.
Other names: c.691G>A, p.Ala231Thr (NM_001410949.1); c.955G>A, p.Ala319Thr (NM_024531.5, NM_001253815.2, NM_001253816.2 and 2 more transcripts); c.463G>A, p.Ala155Thr (NM_001363122.2); short protein forms A155T, A319T, A231T.
Identifiers: ClinVar variation 2050746 (VCV002050746.4), dbSNP rs1029637980, ClinGen allele CA187657595.

ClinVar aggregate classification (germline): Uncertain significance (1 of 4 stars; one submission).

Conditions:
Brown-Vialetto-van Laere syndrome 2. Also called: SPINOCEREBELLAR ATAXIA WITH BLINDNESS AND DEAFNESS 2; Riboflavin transporter deficiency type 2. Identifiers: Orphanet 572543, Orphanet 97229, MedGen C3553538, MONDO:0013867, OMIM 614707.

Allele frequency attached by ClinVar (database versions not stated): gnomAD exomes 0.00001; gnomAD 0.00003; TOPMed 0.00004.
gnomAD v4.1: 7 of 1,605,060 alleles (0.00044%); highest among the groups gnomAD compares: African/African-American, 0.008%; no homozygotes.

Submission:

Labcorp Genetics (formerly Invitae), Labcorp
Classification: Uncertain significance for Brown-Vialetto-van Laere syndrome 2. Last evaluated: 2022-07-19. Review status: criteria provided, single submitter. Criteria: Invitae Variant Classification Sherloc (09022015). Collection method: clinical testing. Allele origin: germline.
Comment: In summary, the available evidence is currently insufficient to determine the role of this variant in disease. Therefore, it has been classified as a Variant of Uncertain Significance. Advanced modeling of protein sequence and biophysical properties (such as structural, functional, and spatial information, amino acid conservation, physicochemical variation, residue mobility, and thermodynamic stability) performed at Invitae indicates that this missense variant is not expected to disrupt SLC52A2 protein function. This variant has not been reported in the literature in individuals affected with SLC52A2-related conditions. The frequency data for this variant in the population databases is considered unreliable, as metrics indicate poor data quality at this position in the gnomAD database. This sequence change replaces alanine, which is neutral and non-polar, with threonine, which is neutral and polar, at codon 319 of the SLC52A2 protein (p.Ala319Thr).